The following is an entry in ClinVar:

ClinVar aggregate classification (germline): Uncertain significance. Review status: criteria provided, multiple submitters, no conflicts (2 of 4 stars). 2 submissions from 2 submitters: Uncertain significance (2). Last evaluated 2024-04-17.

Conditions:
Hereditary cancer-predisposing syndrome. Also called: Tumor predisposition; Hereditary Cancer Syndrome; Neoplastic Syndromes, Hereditary; Hereditary neoplastic syndrome. Identifiers: Orphanet 140162, MedGen C0027672, MeSH D009386, MONDO:0015356.
Gorlin syndrome. Also called: Nevoid Basal Cell Carcinoma Syndrome; Basal cell nevus syndrome. Identifiers: Orphanet 377, MedGen C0004779, MONDO:0007187.
Medulloblastoma (MDB). Also called: Medulloblastoma, somatic; MEDULLOBLASTOMA PREDISPOSITION SYNDROME. Identifiers: Orphanet 616, MedGen C0025149, MeSH D008527, MONDO:0007959, OMIM 155255, HP:0002885.

Submissions (2):

Ambry Genetics
Classification: Uncertain significance for Hereditary cancer-predisposing syndrome. Last evaluated: 2024-04-17. Review status: criteria provided, single submitter. Criteria: Ambry Variant Classification Scheme 2023. Collection method: clinical testing. Allele origin: germline.
Comment: The p.F116C variant (also known as c.347T>G), located in coding exon 3 of the SUFU gene, results from a T to G substitution at nucleotide position 347. The phenylalanine at codon 116 is replaced by cysteine, an amino acid with highly dissimilar properties. This amino acid position is conserved. In addition, this alteration is predicted to be deleterious by in silico analysis. Based on the available evidence, the clinical significance of this variant remains unclear.

Labcorp Genetics (formerly Invitae), Labcorp
Classification: Uncertain significance for Gorlin syndrome; Medulloblastoma. Last evaluated: 2022-05-21. Review status: criteria provided, single submitter. Criteria: Invitae Variant Classification Sherloc (09022015). Collection method: clinical testing. Allele origin: germline.
Comment: In summary, the available evidence is currently insufficient to determine the role of this variant in disease. Therefore, it has been classified as a Variant of Uncertain Significance. Algorithms developed to predict the effect of missense changes on protein structure and function (SIFT, PolyPhen-2, Align-GVGD) all suggest that this variant is likely to be disruptive. This variant has not been reported in the literature in individuals affected with SUFU-related conditions. This variant is not present in population databases (gnomAD no frequency). This sequence change replaces phenylalanine, which is neutral and non-polar, with cysteine, which is neutral and slightly polar, at codon 116 of the SUFU protein (p.Phe116Cys).

NM_016169.4(SUFU):c.347T>G (p.Phe116Cys)

Gene: SUFU (SUFU negative regulator of hedgehog signaling; plus strand). Cytogenetic location: 10q24.32.
Variant type: single nucleotide variant.
Coding change: c.347T>G on transcript NM_016169.4 (MANE Select); coding-DNA position 347, T replaced by G.
Protein change: p.Phe116Cys; replaces phenylalanine 116 with cysteine.
Molecular consequence: missense variant.
Genome position (GRCh38, 1-based): chr10:102,549,999, T>G. VCF-style: chr10-102549999-T-G. GRCh37 (hg19) VCF-style: chr10-104309756-T-G.
Other names: c.347T>G, p.Phe116Cys (NM_001178133.2); short protein forms F116C.
Identifiers: ClinVar variation 2111973 (VCV002111973.5), dbSNP rs2544969028, ClinGen allele CA377903117.